The following is an entry in ClinVar:

ClinVar aggregate classification (germline): Uncertain significance (1 of 4 stars; one submission).

Conditions:
Hereditary cancer-predisposing syndrome. Also called: Tumor predisposition; Hereditary Cancer Syndrome; Hereditary neoplastic syndrome; Neoplastic Syndromes, Hereditary. Identifiers: Orphanet 140162, MedGen C0027672, MeSH D009386, MONDO:0015356.

Submission:

Ambry Genetics
Classification: Uncertain significance for Hereditary cancer-predisposing syndrome. Last evaluated: 2023-07-13. Review status: criteria provided, single submitter. Criteria: Ambry Variant Classification Scheme 2023. Collection method: clinical testing. Allele origin: germline.
Comment: The p.S58P variant (also known as c.172T>C), located in coding exon 4 of the BAP1 gene, results from a T to C substitution at nucleotide position 172. The serine at codon 58 is replaced by proline, an amino acid with similar properties. This amino acid position is conserved. In addition, the in silico prediction for this alteration is inconclusive. Since supporting evidence is limited at this time, the clinical significance of this alteration remains unclear.

NM_004656.4(BAP1):c.172T>C (p.Ser58Pro)

Gene: BAP1 (BRCA1 associated deubiquitinase 1; minus strand). Cytogenetic location: 3p21.1.
Variant type: single nucleotide variant.
Coding change: c.172T>C on transcript NM_004656.4 (MANE Select); coding-DNA position 172, T replaced by C.
Protein change: p.Ser58Pro; replaces serine 58 with proline.
Molecular consequence: missense variant.
Genome position (GRCh38, 1-based): chr3:52,408,557, A>G on the plus strand (T>C on the coding strand, the complement: BAP1 is on the minus strand). VCF-style: chr3-52408557-A-G. GRCh37 (hg19) VCF-style: chr3-52442573-A-G.
Other names: c.172T>C, p.Ser58Pro (NM_001410772.1); short protein forms S58P.
Identifiers: ClinVar variation 2626739 (VCV002626739.2), dbSNP rs2153228322, ClinGen allele CA353113487.
Genomic context (GRCh38, chr3:52,408,557, plus strand): 5'-TCACAATATCATCATCAATCACGGACGTATCATCCACCAAGGTAGAGACCTTTCGCCGGG[A>G]CCGGCGCTCTTCGATCCATTTGAACAGGAAGATAAATCCATATACAGGGCTGGGGGAAGT-3'
Protein context (NP_004647.1, residues 48-68): FLFKWIEERR[Ser58Pro]RRKVSTLVDD